The following is an entry in ClinVar:

ClinVar aggregate classification (germline): Conflicting classifications of pathogenicity. Review status: criteria provided, conflicting classifications (1 of 4 stars). 13 submissions from 12 submitters: Uncertain significance (3); Benign (3); Likely benign (3). 4 of the submissions do not count toward it. Last evaluated 2025-12-15.

Conditions:
ZFPM2-related disorder. Also called: ZFPM2-related condition.
46,XY sex reversal 9 (SRXY9). Also called: 46,XY SEX REVERSAL, ZFPM2-RELATED. Identifiers: Orphanet 251510, MedGen C4015129, MONDO:0014480, OMIM 616067.
Tetralogy of Fallot (TOF). Identifiers: Orphanet 3303, MedGen C0039685, MONDO:0008542, OMIM 187500, HP:0001636.
Diaphragmatic hernia 3 (DIH3). Identifiers: Orphanet 2140, MedGen C1857781, MONDO:0012431, OMIM 610187.
46,XY sex reversal 3. Also called: SEX REVERSAL, XY, WITH OR WITHOUT ADRENAL FAILURE; NR5A1-related 46,XY complete gonadal dysgenesis; 46,XY SEX REVERSAL, PARTIAL OR COMPLETE, NR5A1-RELATED; 46,XY GONADAL DYSGENESIS, PARTIAL OR COMPLETE, WITH OR WITHOUT ADRENAL FAILURE; DISORDER OF SEX DEVELOPMENT, 46,XY, NR5A1-RELATED. Identifiers: MedGen C3489793, MONDO:0013066, OMIM 612965.

Allele frequency attached by ClinVar (database versions not stated): 1000 Genomes Project 0.00100; 1000 Genomes Project 30x 0.00156; TOPMed 0.00305; gnomAD 0.00306; ESP Exome Variant Server 0.00347.
gnomAD v4.1: 7,246 of 1,613,784 alleles (0.45%); highest among the groups gnomAD compares: Non-Finnish European, 0.53%; 18 homozygotes.

Submissions (13):

Labcorp Genetics (formerly Invitae), Labcorp
Classification: Benign for 46,XY sex reversal 9. Last evaluated: 2025-12-15. Review status: criteria provided, single submitter. Criteria: Invitae Variant Classification Sherloc (09022015). Collection method: clinical testing. Allele origin: germline.

Laboratory of Genetics, Children's Clinical University Hospital Latvia
Classification: Likely benign. Last evaluated: 2025-02-16. Review status: criteria provided, single submitter. Criteria: ACMG Guidelines, 2015. Collection method: clinical testing. Allele origin: germline. Affected: yes.

CeGaT Center for Human Genetics Tuebingen
Classification: Benign. Last evaluated: 2024-11-01. Review status: criteria provided, single submitter. Criteria: CeGaT Center For Human Genetics Tuebingen Variant Classification Criteria Version 2. Collection method: clinical testing. Allele origin: germline. Affected: yes. Observed: 5 variant alleles.
Comment: ZFPM2: BS1, BS2

Genomic Medicine Center of Excellence, King Faisal Specialist Hospital and Research Centre
Classification: Likely benign for 46,XY sex reversal 9. Last evaluated: 2024-04-04. Review status: criteria provided, single submitter. Criteria: ACMG Guidelines, 2015. Collection method: clinical testing. Allele origin: germline.

Department of Pathology and Laboratory Medicine, Sinai Health System
Classification: Uncertain significance for Tetralogy of Fallot; Diaphragmatic hernia 3; 46,XY sex reversal 9. Last evaluated: 2023-03-29. Review status: criteria provided, single submitter. Criteria: ACMG Guidelines, 2015. Collection method: research. Allele origin: germline.

Genetic Services Laboratory, University of Chicago
Classification: Benign. Last evaluated: 2021-01-19. Review status: criteria provided, single submitter. Criteria: ACMG Guidelines, 2015. Collection method: clinical testing. Allele origin: germline. Affected: no.

Mendelics
Classification: Likely benign for 46,XY sex reversal 9. Last evaluated: 2019-05-28. Review status: criteria provided, single submitter. Criteria: Mendelics Assertion Criteria 2017. Collection method: clinical testing. Allele origin: unknown.

Center for Pediatric Genomic Medicine, Children's Mercy Hospital and Clinics
Classification: Uncertain significance. Last evaluated: 2017-04-27. Review status: criteria provided, single submitter. Criteria: ACMG Guidelines, 2015. Collection method: clinical testing. Allele origin: germline.

Laboratory for Molecular Medicine, Mass General Brigham Personalized Medicine
Classification: Uncertain significance. Last evaluated: 2016-03-29. Review status: criteria provided, single submitter. Criteria: LMM Criteria. Collection method: clinical testing. Allele origin: germline.
Comment: Variant identified in a genome or exome case(s) and assessed due to predicted null impact of the variant or pathogenic assertions in the literature or databases. Disclaimer: This variant has not undergone full assessment. The following are preliminary notes: Reported in a sporadic case with TOF (De Luca 2011), one homozygous case with 46,XY gonadal dysgenesis (Bashamboo 2014), one case with congenital diaphragmatic hernia and was inherited from the mother (Longoni 2015). ExAC freq 0.5%.

PreventionGenetics, part of Exact Sciences
Classification: Likely benign for ZFPM2-related condition. Last evaluated: 2019-12-04. Review status: no assertion criteria provided. Collection method: clinical testing. Allele origin: germline. Not counted in ClinVar's aggregate classification.
Comment: This variant is classified as likely benign based on ACMG/AMP sequence variant interpretation guidelines (Richards et al. 2015 PMID: 25741868, with internal and published modifications).

Reproductive Development, Murdoch Childrens Research Institute
Classification: Benign for 46,XY disorder of sex development. Last evaluated: 2019-08-26. Review status: no assertion criteria provided. Collection method: research. Allele origin: germline. Affected: yes. Not counted in ClinVar's aggregate classification.

OMIM
Classification: Pathogenic for TETRALOGY OF FALLOT. Last evaluated: 2014-07-15. Review status: no assertion criteria provided. Collection method: literature only. Allele origin: germline. Not counted in ClinVar's aggregate classification.

OMIM
Classification: Pathogenic for 46,XY SEX REVERSAL 9. Last evaluated: 2014-07-15. Review status: no assertion criteria provided. Collection method: literature only. Allele origin: germline. Not counted in ClinVar's aggregate classification.

Literature cited by the submitters: PubMed 20807224 (cited by OMIM); PubMed 24549039 (cited by OMIM).

NM_012082.4(ZFPM2):c.1632G>A (p.Met544Ile)

Genes: ZFPM2 (zinc finger protein, FOG family member 2; plus strand), ZFPM2-AS1 (ZFPM2 antisense RNA 1; minus strand). Cytogenetic location: 8q23.1.
Variant type: single nucleotide variant.
Coding change: c.1632G>A on transcript NM_012082.4 (MANE Select); coding-DNA position 1632, G replaced by A.
Protein change: p.Met544Ile; replaces methionine 544 with isoleucine.
Molecular consequence: missense variant.
Genome position (GRCh38, 1-based): chr8:105,801,714, G>A. VCF-style: chr8-105801714-G-A. GRCh37 (hg19) VCF-style: chr8-106813942-G-A.
Other names: c.1473G>A, p.Met491Ile (NM_001362836.2); c.1236G>A, p.Met412Ile (NM_001362837.2); short protein forms M544I, M491I, M412I.
Identifiers: ClinVar variation 39518 (VCV000039518.49), dbSNP rs187043152, ClinGen allele CA170935.
Genomic context (GRCh38, chr8:105,801,714, plus strand): 5'-GCATCGGCGACTGAGGCATGGCAGTAGTAGCTACCCTCCCGTCATTTACAGCCCTTTGAT[G>A]CCCAAGGGGGCTACTTGTTTTGAGTGTAACATAACATTCAATAATTTGGATAATTATCTA-3'
Protein context (NP_036214.2, residues 534-554): SYPPVIYSPL[Met544Ile]PKGATCFECN